The following is an entry in ClinVar:

NM_006059.4(LAMC3):c.364C>G (p.Leu122Val)

Gene: LAMC3 (laminin subunit gamma 3; plus strand). Cytogenetic location: 9q34.12.
Variant type: single nucleotide variant.
Coding change: c.364C>G on transcript NM_006059.4 (MANE Select); coding-DNA position 364, C replaced by G.
Protein change: p.Leu122Val; replaces leucine 122 with valine.
Molecular consequence: missense variant.
Genome position (GRCh38, 1-based): chr9:131,009,578, C>G. VCF-style: chr9-131009578-C-G. GRCh37 (hg19) VCF-style: chr9-133884965-C-G.
Other names: short protein forms L122V.
Identifiers: ClinVar variation 1394816 (VCV001394816.3), dbSNP rs763270039, ClinGen allele CA5286656.

ClinVar aggregate classification (germline): Uncertain significance (1 of 4 stars; one submission).

Allele frequency attached by ClinVar (database versions not stated): TOPMed below 0.00001; gnomAD 0.00001.

Submission:

Labcorp Genetics (formerly Invitae), Labcorp
Classification: Uncertain significance. Last evaluated: 2021-07-31. Review status: criteria provided, single submitter. Criteria: Invitae Variant Classification Sherloc (09022015). Collection method: clinical testing. Allele origin: germline.
Comment: This sequence change replaces leucine with valine at codon 122 of the LAMC3 protein (p.Leu122Val). The leucine residue is highly conserved and there is a small physicochemical difference between leucine and valine. The frequency data for this variant in the population databases is considered unreliable, as metrics indicate poor data quality at this position in the ExAC database. This variant has not been reported in the literature in individuals affected with LAMC3-related conditions. Algorithms developed to predict the effect of missense changes on protein structure and function are either unavailable or do not agree on the potential impact of this missense change (SIFT: "Deleterious"; PolyPhen-2: "Benign"; Align-GVGD: "Class C0"). In summary, the available evidence is currently insufficient to determine the role of this variant in disease. Therefore, it has been classified as a Variant of Uncertain Significance.